The following is an entry in ClinVar:

NM_000484.4(APP):c.13T>G (p.Leu5Val)

Gene: APP (amyloid beta precursor protein; minus strand). Cytogenetic location: 21q21.3.
Variant type: single nucleotide variant.
Coding change: c.13T>G on transcript NM_000484.4 (MANE Select); coding-DNA position 13, T replaced by G.
Protein change: p.Leu5Val; replaces leucine 5 with valine.
Molecular consequence: missense variant. On other transcripts: intron variant (1).
Genome position (GRCh38, 1-based): chr21:26,170,608, A>C on the plus strand (T>G on the coding strand, the complement: APP is on the minus strand). VCF-style: chr21-26170608-A-C. GRCh37 (hg19) VCF-style: chr21-27542926-A-C.
Other names: c.13T>G, p.Leu5Val (NM_001136129.3, NM_001136130.3, NM_001204301.2 and 5 more transcripts); c.-49+377T>G (NM_001136131.3); short protein forms L5V.
Identifiers: ClinVar variation 2559949 (VCV002559949.4), dbSNP rs1446208112, ClinGen allele CA410167270.
Genomic context (GRCh38, chr21:26,170,608, plus strand): 5'-GAGGCGCGGCACCCACCTCCAGCGCCCGAGCCGTCCAGGCGGCCAGCAGGAGCAGTGCCA[A>C]ACCGGGCAGCATCGCGACCCTGCGCGGGGCACCGAGTGCGCTGCTGTGCGAGTGGGATCC-3'
Protein context (NP_000475.1, residues 1-15): MLPG[Leu5Val]ALLLLAAWTA

ClinVar aggregate classification (germline): Uncertain significance. Review status: criteria provided, multiple submitters, no conflicts (2 of 4 stars). 2 submissions from 2 submitters: Uncertain significance (2). Last evaluated 2025-01-30.

Conditions:
Inborn genetic diseases. Identifiers: MedGen C0950123, MeSH D030342.
Alzheimer disease. Also called: Presenile and senile dementia; Alzheimer's disease. Identifiers: Orphanet 1020, MedGen C0002395, MeSH D000544, MONDO:0004975, HP:0002511.

Allele frequency attached by ClinVar (database versions not stated): TOPMed 0.00002; gnomAD exomes 0.00003.
gnomAD v4.1: 47 of 1,537,906 alleles (0.0031%); highest among the groups gnomAD compares: Non-Finnish European, 0.004%; no homozygotes.

Submissions (2):

Labcorp Genetics (formerly Invitae), Labcorp
Classification: Uncertain significance for Alzheimer disease. Last evaluated: 2025-01-30. Review status: criteria provided, single submitter. Criteria: Invitae Variant Classification Sherloc (09022015). Collection method: clinical testing. Allele origin: germline.
Comment: This sequence change replaces leucine, which is neutral and non-polar, with valine, which is neutral and non-polar, at codon 5 of the APP protein (p.Leu5Val). The frequency data for this variant in the population databases is considered unreliable, as metrics indicate poor data quality at this position in the gnomAD database. This variant has not been reported in the literature in individuals affected with APP-related conditions. ClinVar contains an entry for this variant (Variation ID: 2559949). Invitae Evidence Modeling of protein sequence and biophysical properties (such as structural, functional, and spatial information, amino acid conservation, physicochemical variation, residue mobility, and thermodynamic stability) indicates that this missense variant is not expected to disrupt APP protein function with a negative predictive value of 95%. In summary, the available evidence is currently insufficient to determine the role of this variant in disease. Therefore, it has been classified as a Variant of Uncertain Significance.

Ambry Genetics
Classification: Uncertain significance for Inborn genetic diseases. Last evaluated: 2023-06-13. Review status: criteria provided, single submitter. Criteria: Ambry Variant Classification Scheme 2023. Collection method: clinical testing. Allele origin: germline.